The following is an entry in ClinVar:

NM_002016.2(FLG):c.2057A>C (p.Gln686Pro)

Genes: FLG (filaggrin; minus strand), CCDST (cervical cancer associated DHX9 suppressive transcript; plus strand). Cytogenetic location: 1q21.3.
Variant type: single nucleotide variant.
Coding change: c.2057A>C on transcript NM_002016.2 (MANE Select); coding-DNA position 2057, A replaced by C.
Protein change: p.Gln686Pro; replaces glutamine 686 with proline.
Molecular consequence: missense variant.
Genome position (GRCh38, 1-based): chr1:152,312,829, T>G on the plus strand (A>C on the coding strand, the complement: FLG is on the minus strand). VCF-style: chr1-152312829-T-G. GRCh37 (hg19) VCF-style: chr1-152285305-T-G.
Other names: short protein forms Q686P.
Identifiers: ClinVar variation 2361945 (VCV002361945.3), dbSNP rs755034552, ClinGen allele CA1107348.

ClinVar aggregate classification (germline): Uncertain significance. Review status: criteria provided, multiple submitters, no conflicts (2 of 4 stars). 2 submissions from 2 submitters: Uncertain significance (2). Last evaluated 2022-02-02.

Conditions:
Inborn genetic diseases. Identifiers: MedGen C0950123, MeSH D030342.
Ichthyosis vulgaris. Also called: ICHTHYOSIS SIMPLEX; Dominant ichthyosis vulgaris. Identifiers: MedGen C0079584, MONDO:0024304, OMIM 146700.

Allele frequency attached by ClinVar (database versions not stated): TOPMed below 0.00001; gnomAD 0.00002; ExAC 0.00021.
gnomAD v4.1: 111 of 1,613,964 alleles (0.0069%); highest among the groups gnomAD compares: South Asian, 0.12%; 5 homozygotes.

Submissions (2):

Victorian Clinical Genetics Services, Murdoch Childrens Research Institute
Classification: Uncertain significance for Ichthyosis vulgaris. Last evaluated: 2022-02-02. Review status: criteria provided, single submitter. Criteria: ACMG Guidelines, 2015. Collection method: clinical testing. Allele origin: germline. Affected: yes.
Comment: Based on the classification scheme VCGS_Germline_v1.3.4, this variant is classified as VUS-3C. Following criteria are met: 0102 - Loss of function is a known mechanism of disease in this gene and is associated with ichthyosis vulgaris (MIM#146700). (I) 0108 - This gene is associated with both recessive and dominant disease. Biallelic truncating variants tend to result in a more severe condition (PMIDs: 17291859, 30681730). (I) 0112 - The condition associated with this gene has incomplete penetrance. Heterozygous carriers are more likely to be asymptomatic than individuals with biallelic variants (PMIDs: 17291859, 30681730). (I) 0200 - Variant is predicted to result in a missense amino acid change from glutamine to proline. (I) 0251 - This variant is heterozygous. (I) 0304 - Variant is present in gnomAD v2 <0.01 for a condition (36 heterozygotes, 2 homozygotes). (SP) 0309 - An alternative amino acid change at the same position has been observed in gnomAD (v2) (10 heterozygotes, 0 homozygotes). (I) 0503 - Missense variant consistently predicted to be tolerated by multiple in silico tools or not conserved in placental mammals with a minor amino acid change. (SB) 0604 - Variant is not located in an established domain, motif, hotspot or informative constraint region. (I) 0705 - No comparable missense variants have previous evidence for pathogenicity. (I) 0807 - This variant has no previous evidence of pathogenicity. (I) 0905 - No published segregation evidence has been identified for this variant. (I) 1007 - No published functional evidence has been identified for this variant. (I) 1208 - Inheritance information for this variant is not currently available in this individual. (I) Legend: (SP) - Supporting pathogenic, (I) - Information, (SB) - Supporting benign

Ambry Genetics
Classification: Uncertain significance for Inborn genetic diseases. Last evaluated: 2021-10-20. Review status: criteria provided, single submitter. Criteria: Ambry Variant Classification Scheme 2023. Collection method: clinical testing. Allele origin: germline.

Literature cited by the submitters: PubMed 17291859 (cited by Victorian Clinical Genetics Services, Murdoch Childrens Research Institute); PubMed 30681730 (cited by Victorian Clinical Genetics Services, Murdoch Childrens Research Institute).